The following is an entry in ClinVar:

NM_017890.5(VPS13B):c.4264G>T (p.Asp1422Tyr)

Gene: VPS13B (vacuolar protein sorting 13 homolog B; plus strand). Cytogenetic location: 8q22.2.
Variant type: single nucleotide variant.
Coding change: c.4264G>T on transcript NM_017890.5 (MANE Plus Clinical); coding-DNA position 4264, G replaced by T.
Protein change: p.Asp1422Tyr; replaces aspartic acid 1422 with tyrosine.
Molecular consequence: missense variant. On other transcripts: intron variant (1).
Genome position (GRCh38, 1-based): chr8:99,507,876, G>T. VCF-style: chr8-99507876-G-T. GRCh37 (hg19) VCF-style: chr8-100520104-G-T.
Other names: c.4224+673G>T (NM_152564.5); short protein forms D1422Y.
Identifiers: ClinVar variation 4999092 (VCV004999092.1).

ClinVar aggregate classification (germline): Uncertain significance (1 of 4 stars; one submission).

Conditions:
VPS13B-related disorder. Also called: VPS13B-related condition.

Submission:

PreventionGenetics, part of Exact Sciences
Classification: Uncertain significance for VPS13B-related condition. Last evaluated: 2024-12-23. Review status: criteria provided, single submitter. Criteria: ACMG Guidelines, 2015. Collection method: clinical testing. Allele origin: germline.
Comment: The VPS13B c.4264G>T variant is predicted to result in the amino acid substitution p.Asp1422Tyr. To our knowledge, this variant has not been reported in the literature or in a large population database (gnomAD), indicating this variant is rare. At this time, the clinical significance of this variant is uncertain due to the absence of conclusive functional and genetic evidence.